The following is an entry in ClinVar:

ClinVar aggregate classification (germline): Uncertain significance. Review status: criteria provided, multiple submitters, no conflicts (2 of 4 stars). 2 submissions from 2 submitters: Uncertain significance (2). Last evaluated 2024-04-29.

Conditions:
Familial juvenile hyperuricemic nephropathy type 2 (ADTKD4). Also called: EARLY-ONSET HYPERURICEMIA, ANEMIA, AND PROGRESSIVE KIDNEY FAILURE; Autosomal Dominant Tubulointerstitial Kidney Disease – REN. Identifiers: Orphanet 217330, MedGen C2751310, MONDO:0013128, OMIM 613092.
Renal tubular dysgenesis of genetic origin. Also called: PRIMITIVE RENAL TUBULE SYNDROME. Identifiers: Orphanet 97369, MedGen C5681536, MONDO:0009970, OMIM 267430.

Allele frequency attached by ClinVar (database versions not stated): ExAC 0.00007; gnomAD exomes 0.00008 and 0.00018; gnomAD 0.00009 and 0.00010; TOPMed 0.00011; ESP Exome Variant Server 0.00023.
gnomAD v4.1: 281 of 1,614,004 alleles (0.017%); highest among the groups gnomAD compares: Non-Finnish European, 0.021%; no homozygotes.

Submissions (2):

Labcorp Genetics (formerly Invitae), Labcorp
Classification: Uncertain significance. Last evaluated: 2024-04-29. Review status: criteria provided, single submitter. Criteria: Invitae Variant Classification Sherloc (09022015). Collection method: clinical testing. Allele origin: germline.
Comment: This sequence change replaces threonine, which is neutral and polar, with methionine, which is neutral and non-polar, at codon 178 of the REN protein (p.Thr178Met). The frequency data for this variant in the population databases is considered unreliable, as metrics indicate poor data quality at this position in the gnomAD database. This variant has not been reported in the literature in individuals affected with REN-related conditions. ClinVar contains an entry for this variant (Variation ID: 1413950). Advanced modeling of protein sequence and biophysical properties (such as structural, functional, and spatial information, amino acid conservation, physicochemical variation, residue mobility, and thermodynamic stability) performed at Invitae indicates that this missense variant is not expected to disrupt REN protein function with a negative predictive value of 80%. In summary, the available evidence is currently insufficient to determine the role of this variant in disease. Therefore, it has been classified as a Variant of Uncertain Significance.

Fulgent Genetics
Classification: Uncertain significance for Renal tubular dysgenesis of genetic origin; Familial juvenile hyperuricemic nephropathy type 2. Last evaluated: 2022-03-07. Review status: criteria provided, single submitter. Criteria: ACMG Guidelines, 2015. Collection method: clinical testing. Allele origin: unknown.

NM_000537.4(REN):c.533C>T (p.Thr178Met)

Gene: REN (renin; minus strand). Cytogenetic location: 1q32.1.
Variant type: single nucleotide variant.
Coding change: c.533C>T on transcript NM_000537.4 (MANE Select); coding-DNA position 533, C replaced by T.
Protein change: p.Thr178Met; replaces threonine 178 with methionine.
Molecular consequence: missense variant.
Genome position (GRCh38, 1-based): chr1:204,159,555, G>A on the plus strand (C>T on the coding strand, the complement: REN is on the minus strand). VCF-style: chr1-204159555-G-A. GRCh37 (hg19) VCF-style: chr1-204128683-G-A.
Other names: short protein forms T178M.
Identifiers: ClinVar variation 1413950 (VCV001413950.7), dbSNP rs147436851, ClinGen allele CA1344895.